The following is an entry in ClinVar:

NM_001048174.2(MUTYH):c.493-12C>A

Gene: MUTYH (mutY DNA glycosylase; minus strand). Cytogenetic location: 1p34.1.
Variant type: single nucleotide variant.
Coding change: c.493-12C>A on transcript NM_001048174.2 (MANE Select); 12 bases into the intron before coding-DNA position 493, C replaced by A.
Molecular consequence: intron variant.
Genome position (GRCh38, 1-based): chr1:45,332,699, G>T on the plus strand (C>A on the coding strand, the complement: MUTYH is on the minus strand). VCF-style: chr1-45332699-G-T. GRCh37 (hg19) VCF-style: chr1-45798371-G-T.
Other names: c.493-12C>A (NM_001407072.1, NM_001407073.1, NM_001048171.2 and 6 more transcripts); c.148-12C>A (NM_001350651.2, NM_001350650.2, NM_001407082.1); c.217-12C>A (NM_001293192.2, NM_001293196.2, NM_001407091.1); c.538-12C>A (NM_001293190.2); c.526-12C>A (NM_001407069.1, NM_001407077.1, NM_001293191.2); c.568-12C>A (NM_012222.3); c.577-12C>A (NM_001128425.2); c.496-12C>A (NM_001407071.1, NM_001048172.2, NM_001407078.1 and 1 more transcripts); and 5 more.
Identifiers: ClinVar variation 2781454 (VCV002781454.4), dbSNP rs1430529522, ClinGen allele CA522810453.

ClinVar aggregate classification (germline): Conflicting classifications of pathogenicity. Review status: criteria provided, conflicting classifications (1 of 4 stars). 2 submissions from 2 submitters: Uncertain significance (1); Likely benign (1). Last evaluated 2026-01-09.

Conditions:
Familial adenomatous polyposis 2. Also called: MUTYH-related attenuated familial adenomatous polyposis; COLORECTAL ADENOMATOUS POLYPOSIS, AUTOSOMAL RECESSIVE; ADENOMAS, MULTIPLE COLORECTAL, AUTOSOMAL RECESSIVE; MYH-associated polyposis; MUTYH-associated polyposis; MUTYH Polyposis. Identifiers: Orphanet 220460, Orphanet 247798, MedGen C3272841, MONDO:0012041, OMIM 608456.

Allele frequency attached by ClinVar (database versions not stated): TOPMed below 0.00001.
gnomAD v4.1: 3 of 1,614,068 alleles (0.00019%); highest among the groups gnomAD compares: East Asian, 0.0045%; no homozygotes.

Submissions (2):

Labcorp Genetics (formerly Invitae), Labcorp
Classification: Likely benign for Familial adenomatous polyposis 2. Last evaluated: 2026-01-09. Review status: criteria provided, single submitter. Criteria: Invitae Variant Classification Sherloc (09022015). Collection method: clinical testing. Allele origin: germline.

All of Us Research Program, National Institutes of Health
Classification: Uncertain significance for Familial adenomatous polyposis 2. Last evaluated: 2023-11-30. Review status: criteria provided, single submitter. Criteria: ACMG Guidelines, 2015. Collection method: clinical testing. Allele origin: germline. Inheritance: Autosomal recessive inheritance. Observed: 2 variant alleles, 2 heterozygotes.
Comment: This variant causes a C to A nucleotide substitution at the -12 position of intron 7 of the MUTYH gene. To our knowledge, functional studies have not been reported for this variant. This variant has not been reported in individuals affected with MUTYH-related disorders in the literature. This variant has been identified in 1/251474 chromosomes in the general population by the Genome Aggregation Database (gnomAD). The available evidence is insufficient to determine the role of this variant in disease conclusively. Therefore, this variant is classified as a Variant of Uncertain Significance.

This study involves interpretation of variants in research participants for the purpose of population health screening. Participant phenotype was not available at the time of variant classification. Additional details can be found in publication PMID: 35346344, PMCID: PMC8962531